The following is an entry in ClinVar:

ClinVar aggregate classification (germline): Benign/Likely benign. Review status: criteria provided, multiple submitters, no conflicts (2 of 4 stars). 6 submissions from 6 submitters: Benign (1); Likely benign (5). Last evaluated 2025-06-22.

Conditions:
Hereditary nonpolyposis colorectal neoplasms. Identifiers: MedGen C0009405, MeSH D003123.
Hereditary cancer-predisposing syndrome. Also called: Neoplastic Syndromes, Hereditary; Tumor predisposition; Hereditary neoplastic syndrome; Hereditary Cancer Syndrome. Identifiers: Orphanet 140162, MedGen C0027672, MeSH D009386, MONDO:0015356.
Breast and/or ovarian cancer. Identifiers: MedGen CN221562.
Lynch syndrome 5 (LYNCH5). Also called: Colorectal cancer, hereditary nonpolyposis, type 5; Hereditary non-polyposis colorectal cancer, type 5. Identifiers: Orphanet 144, MedGen C1833477, MONDO:0013710, OMIM 614350. Disease mechanism: loss of function.

Submissions (6):

Labcorp Genetics (formerly Invitae), Labcorp
Classification: Likely benign for Hereditary nonpolyposis colorectal neoplasms. Last evaluated: 2025-06-22. Review status: criteria provided, single submitter. Criteria: Invitae Variant Classification Sherloc (09022015). Collection method: clinical testing. Allele origin: germline.

Myriad Genetics, Inc.
Classification: Benign for Lynch syndrome 5. Last evaluated: 2025-01-08. Review status: criteria provided, single submitter. Criteria: Myriad Autosomal Dominant, Autosomal Recessive and X-Linked Classification Criteria (2023). Collection method: clinical testing. Allele origin: unknown.
Comment: This variant is considered benign. This variant is a silent/synonymous amino acid change and it is not expected to impact splicing.

CHEO Genetics Diagnostic Laboratory, Children's Hospital of Eastern Ontario
Classification: Likely benign for Breast and/or ovarian cancer. Last evaluated: 2023-06-05. Review status: criteria provided, single submitter. Criteria: ACMG Guidelines, 2015. Collection method: clinical testing. Allele origin: germline.

Color Diagnostics, LLC DBA Color Health
Classification: Likely benign for Hereditary cancer-predisposing syndrome. Last evaluated: 2022-12-05. Review status: criteria provided, single submitter. Criteria: ACMG Guidelines, 2015. Collection method: clinical testing. Allele origin: germline.

GeneDx
Classification: Likely benign. Last evaluated: 2020-11-30. Review status: criteria provided, single submitter. Criteria: GeneDx Variant Classification Process June 2021. Collection method: clinical testing. Allele origin: germline. Affected: yes.

Ambry Genetics
Classification: Likely benign for Hereditary cancer-predisposing syndrome. Last evaluated: 2018-04-03. Review status: criteria provided, single submitter. Criteria: Ambry Variant Classification Scheme 2023. Collection method: clinical testing. Allele origin: germline.

Literature cited by the submitters: PubMed 19685281 (cited by Ambry Genetics).

NM_000179.3(MSH6):c.3777T>C (p.Asn1259=)

Gene: MSH6 (mutS homolog 6; plus strand). Cytogenetic location: 2p16.3.
Variant type: single nucleotide variant.
Coding change: c.3777T>C on transcript NM_000179.3 (MANE Select); coding-DNA position 3777, T replaced by C.
Protein change: p.Asn1259=; no amino-acid change (asparagine 1259 retained).
Molecular consequence: synonymous variant.
Genome position (GRCh38, 1-based): chr2:47,806,334, T>C. VCF-style: chr2-47806334-T-C. GRCh37 (hg19) VCF-style: chr2-48033473-T-C.
Other names: c.3387T>C, p.Asn1129= (NM_001281492.2); c.2871T>C, p.Asn957= (NM_001281493.2, NM_001281494.2).
Identifiers: ClinVar variation 824194 (VCV000824194.19), dbSNP rs1572745180, ClinGen allele CA346761145.